The following is an entry in ClinVar:

ClinVar aggregate classification (germline): Likely pathogenic (1 of 4 stars; one submission).

Conditions:
Bile acid malabsorption, primary, 1 (PBAM1). Also called: Bile acid malabsorption, primary. Identifiers: MedGen C5561934, MONDO:0013214, OMIM 613291.

Submission:

First Genomix Gene Laboratory, Genetic Diagnostics Department
Classification: Likely pathogenic for Bile acid malabsorption, primary, 1. Last evaluated: 2025-08-25. Review status: criteria provided, single submitter. Criteria: ACMG Guidelines, 2015. Collection method: clinical testing. Allele origin: germline. Inheritance: Autosomal recessive inheritance. Affected: no. Observed: 1 variant allele.

NM_000452.3(SLC10A2):c.294_305delinsTG (p.Val99_Val100insTer)

Gene: SLC10A2 (solute carrier family 10 member 2; minus strand). Cytogenetic location: 13q33.1.
Variant type: Indel.
Coding change: c.294_305delinsTG on transcript NM_000452.3 (MANE Select); coding-DNA positions 294 to 305, AGTGGTGCTCAT replaced by TG.
Protein change: p.Val99_Val100insTer.
Molecular consequence: frameshift variant.
Genome position (GRCh38, 1-based): chr13:103,065,945-103,065,956, ATGAGCACCACT replaced by CA on the plus strand (AGTGGTGCTCAT replaced by TG on the coding strand, the reverse complement: SLC10A2 is on the minus strand). VCF-style: chr13-103065945-ATGAGCACCACT-CA. GRCh37 (hg19) VCF-style: chr13-103718295-ATGAGCACCACT-CA.
Identifiers: ClinVar variation 4850480 (VCV004850480.1).
Genomic context (GRCh38, chr13:103,065,945, plus strand): 5'-TCGCCATCGACCCAATAGGCCAAGATATTGGAGGCAGTTCCTCCAGGGCAGCATCCTATA[ATGAGCACCACT>CA]ACGGCCTGGAGCGGGAGGATGTCAAAGGCCACCGACAGGATGAATCCTGTGAGGGGCATG-3'